The following is an entry in ClinVar:

NM_171998.4(RAB39B):c.532G>A (p.Gly178Arg)

Gene: RAB39B (RAB39B, member RAS oncogene family; minus strand). Cytogenetic location: Xq28.
Variant type: single nucleotide variant.
Coding change: c.532G>A on transcript NM_171998.4 (MANE Select); coding-DNA position 532, G replaced by A.
Protein change: p.Gly178Arg; replaces glycine 178 with arginine.
Molecular consequence: missense variant.
Genome position (GRCh38, 1-based): chrX:155,260,913, C>T on the plus strand (G>A on the coding strand, the complement: RAB39B is on the minus strand). VCF-style: chrX-155260913-C-T. GRCh37 (hg19) VCF-style: chrX-154490198-C-T.
Other names: c.532G>A (NM_171998.2); short protein forms G178R.
Identifiers: ClinVar variation 1516911 (VCV001516911.7), dbSNP rs2124126393, ClinGen allele CA414923815.

ClinVar aggregate classification (germline): Uncertain significance. Review status: criteria provided, multiple submitters, no conflicts (2 of 4 stars). 2 submissions from 2 submitters: Uncertain significance (2). Last evaluated 2025-08-23.

Conditions:
Inborn genetic diseases. Identifiers: MedGen C0950123, MeSH D030342.

Submissions (2):

Ambry Genetics
Classification: Uncertain significance for Inborn genetic diseases. Last evaluated: 2025-08-23. Review status: criteria provided, single submitter. Criteria: Ambry Variant Classification Scheme 2023. Collection method: clinical testing. Allele origin: germline.

Labcorp Genetics (formerly Invitae), Labcorp
Classification: Uncertain significance. Last evaluated: 2021-09-01. Review status: criteria provided, single submitter. Criteria: Invitae Variant Classification Sherloc (09022015). Collection method: clinical testing. Allele origin: germline.
Comment: This sequence change replaces glycine with arginine at codon 178 of the RAB39B protein (p.Gly178Arg). The glycine residue is highly conserved and there is a moderate physicochemical difference between glycine and arginine. This variant is not present in population databases (ExAC no frequency). This variant has not been reported in the literature in individuals affected with RAB39B-related conditions. Advanced modeling of protein sequence and biophysical properties (such as structural, functional, and spatial information, amino acid conservation, physicochemical variation, residue mobility, and thermodynamic stability) performed at Invitae indicates that this missense variant is not expected to disrupt RAB39B protein function. In summary, the available evidence is currently insufficient to determine the role of this variant in disease. Therefore, it has been classified as a Variant of Uncertain Significance.